The following is an entry in ClinVar:

NM_138386.3(NAF1):c.274T>C (p.Cys92Arg)

Gene: NAF1 (nuclear assembly factor 1 ribonucleoprotein; minus strand). Cytogenetic location: 4q32.2.
Variant type: single nucleotide variant.
Coding change: c.274T>C on transcript NM_138386.3 (MANE Select); coding-DNA position 274, T replaced by C.
Protein change: p.Cys92Arg; replaces cysteine 92 with arginine.
Molecular consequence: missense variant.
Genome position (GRCh38, 1-based): chr4:163,166,454, A>G on the plus strand (T>C on the coding strand, the complement: NAF1 is on the minus strand). VCF-style: chr4-163166454-A-G. GRCh37 (hg19) VCF-style: chr4-164087606-A-G.
Other names: c.274T>C, p.Cys92Arg (NM_001128931.2); c.274T>C (NM_138386.2); short protein forms C92R.
Identifiers: ClinVar variation 2714904 (VCV002714904.4), dbSNP rs770228694, ClinGen allele CA3126434.

ClinVar aggregate classification (germline): Uncertain significance. Review status: criteria provided, multiple submitters, no conflicts (2 of 4 stars). 2 submissions from 2 submitters: Uncertain significance (2). Last evaluated 2024-03-15.

Allele frequency attached by ClinVar (database versions not stated): ExAC 0.00002; gnomAD 0.00004; TOPMed 0.00005; gnomAD exomes 0.00015.
gnomAD v4.1: 219 of 1,605,742 alleles (0.014%); highest among the groups gnomAD compares: Non-Finnish European, 0.018%; no homozygotes.

Submissions (2):

Ambry Genetics
Classification: Uncertain significance. Last evaluated: 2024-03-15. Review status: criteria provided, single submitter. Criteria: Ambry Variant Classification Scheme 2023. Collection method: clinical testing. Allele origin: germline.

Labcorp Genetics (formerly Invitae), Labcorp
Classification: Uncertain significance. Last evaluated: 2023-10-13. Review status: criteria provided, single submitter. Criteria: Invitae Variant Classification Sherloc (09022015). Collection method: clinical testing. Allele origin: germline.
Comment: This sequence change replaces cysteine, which is neutral and slightly polar, with arginine, which is basic and polar, at codon 92 of the NAF1 protein (p.Cys92Arg). This variant is present in population databases (rs770228694, gnomAD 0.006%). This variant has not been reported in the literature in individuals affected with NAF1-related conditions. Algorithms developed to predict the effect of missense changes on protein structure and function output the following: SIFT: "Not Available"; PolyPhen-2: "Benign"; Align-GVGD: "Not Available". The arginine amino acid residue is found in multiple mammalian species, which suggests that this missense change does not adversely affect protein function. In summary, the available evidence is currently insufficient to determine the role of this variant in disease. Therefore, it has been classified as a Variant of Uncertain Significance.